The following is an entry in ClinVar:

ClinVar aggregate classification (germline): Pathogenic (1 of 4 stars; one submission).

Allele frequency attached by ClinVar (database versions not stated): gnomAD exomes below 0.00001; TOPMed below 0.00001.

Submission:

Labcorp Genetics (formerly Invitae), Labcorp
Classification: Pathogenic. Last evaluated: 2023-03-10. Review status: criteria provided, single submitter. Criteria: Invitae Variant Classification Sherloc (09022015). Collection method: clinical testing. Allele origin: germline.
Comment: This sequence change creates a premature translational stop signal (p.Ala23Cysfs*9) in the CABP4 gene. It is expected to result in an absent or disrupted protein product. Loss-of-function variants in CABP4 are known to be pathogenic (PMID: 25307992). For these reasons, this variant has been classified as Pathogenic. ClinVar contains an entry for this variant (Variation ID: 1383967). This variant has not been reported in the literature in individuals affected with CABP4-related conditions. This variant is not present in population databases (gnomAD no frequency).

Literature cited by the submitters: PubMed 25307992.

NM_145200.5(CABP4):c.66dup (p.Ala23fs)

Gene: CABP4 (calcium binding protein 4; plus strand). Cytogenetic location: 11q13.2.
Variant type: Duplication.
Coding change: c.66dup on transcript NM_145200.5 (MANE Select); coding-DNA position 66, one base duplicated (T; older notation c.66dupT).
Protein change: p.Ala23fs; shifts the reading frame from alanine 23.
Molecular consequence: frameshift variant. On other transcripts: 5 prime UTR variant (2), non-coding transcript variant (1), intron variant (1).
Genome position (GRCh38, 1-based): chr11:67,455,489, T duplicated. VCF-style (leftmost placement, unchanged base first): chr11-67455488-C-CT. GRCh37 (hg19) VCF-style: chr11-67222959-C-CT.
Other names: c.-318dup (NM_001300895.3); c.-332dup (NM_001379183.1); c.-112-220dup (NM_001300896.3); short protein forms A23fs.
Identifiers: ClinVar variation 1383967 (VCV001383967.6), dbSNP rs1864734117, ClinGen allele CA1980135349.